The following is an entry in ClinVar:

NM_006412.4(AGPAT2):c.415TTC[1] (p.Phe140del)

Gene: AGPAT2 (1-acylglycerol-3-phosphate O-acyltransferase 2; minus strand). Cytogenetic location: 9q34.3.
Variant type: Microsatellite.
Coding change: c.415TTC[1] on transcript NM_006412.4 (MANE Select); one copy of the 3-base unit TTC starting at c.415; the reference has two copies in a row; one copy, 3 bases deleted; also written c.418_420del.
Protein change: p.Phe140del; deletes phenylalanine 140.
Molecular consequence: inframe deletion.
Genome position (GRCh38, 1-based): chr9:136,677,033-136,677,035, GAA deleted on the plus strand (TTC on the coding strand, the reverse complement: AGPAT2 is on the minus strand); deleting any 3 consecutive bases within chr9:136,677,033-136,677,040 gives the same sequence; the position shown is the placement nearest the transcript's 3' end. VCF-style (leftmost placement, unchanged base first): chr9-136677032-TGAA-T. GRCh37 (hg19) VCF-style: chr9-139571484-TGAA-T.
Other names: c.418_420delTTC (NM_006412.4); c.418_420del (NM_006412.4); c.415TTC[1], p.Phe140del (NM_001012727.2); short protein forms F140del.
Identifiers: ClinVar variation 6628 (VCV000006628.4), dbSNP rs387906356, ClinGen allele CA277947.

ClinVar aggregate classification (germline): Uncertain significance. Review status: criteria provided, multiple submitters, no conflicts (2 of 4 stars). 3 submissions from 3 submitters: Uncertain significance (2). 1 of the submissions does not count toward it. Last evaluated 2026-05-01.

Conditions:
Congenital generalized lipodystrophy type 1 (CGL1). Also called: BRUNZELL SYNDROME, AGPAT2-RELATED; Berardinelli-Seip Congenital Lipodystrophy Type 1. Identifiers: Orphanet 528, Orphanet 696189, MedGen C1720862, MONDO:0012071, OMIM 608594.

Submissions (3):

Women's Health and Genetics/Laboratory Corporation of America, LabCorp
Classification: Uncertain significance. Last evaluated: 2026-05-01. Review status: criteria provided, single submitter. Criteria: LabCorp Variant Classification Summary - May 2015. Collection method: clinical testing. Allele origin: germline.
Comment: Variant summary: AGPAT2 c.418_420delTTC (p.Phe140del) results in an in-frame deletion that is predicted to remove one amino acid from the encoded protein. The variant was absent in 249080 control chromosomes. c.418_420delTTC has been observed in an individual affected with Congenital Generalized Lipodystrophy (Agarwal_2002). These data do not allow any conclusion about the significance of the variant. At least one publication reports experimental evidence evaluating an impact on protein function (Haque_2005). The most pronounced variant effect results in 30%-50% of normal activity. The following publications have been ascertained in the context of this evaluation (PMID: 11967537, 15629135). ClinVar contains an entry for this variant (Variation ID: 6628). Based on the evidence outlined above, the variant was classified as VUS-possibly pathogenic.

Fulgent Genetics
Classification: Uncertain significance for Congenital generalized lipodystrophy type 1. Last evaluated: 2024-04-05. Review status: criteria provided, single submitter. Criteria: ACMG Guidelines, 2015. Collection method: clinical testing. Allele origin: germline.

OMIM
Classification: Pathogenic for LIPODYSTROPHY, CONGENITAL GENERALIZED, TYPE 1. Last evaluated: 2002-05-01. Review status: no assertion criteria provided. Collection method: literature only. Allele origin: germline. Not counted in ClinVar's aggregate classification.

Literature cited by the submitters: PubMed 11967537 (cited by Women's Health and Genetics/Laboratory Corporation of America, LabCorp and OMIM); PubMed 15629135 (cited by Women's Health and Genetics/Laboratory Corporation of America, LabCorp).